The following is an entry in ClinVar:

NM_024422.6(DSC2):c.1468A>G (p.Ser490Gly)

Gene: DSC2 (desmocollin 2; minus strand). Cytogenetic location: 18q12.1.
Variant type: single nucleotide variant.
Coding change: c.1468A>G on transcript NM_024422.6 (MANE Select); coding-DNA position 1468, A replaced by G.
Protein change: p.Ser490Gly; replaces serine 490 with glycine.
Molecular consequence: missense variant.
Genome position (GRCh38, 1-based): chr18:31,080,148, T>C on the plus strand (A>G on the coding strand, the complement: DSC2 is on the minus strand). VCF-style: chr18-31080148-T-C. GRCh37 (hg19) VCF-style: chr18-28660114-T-C.
Other names: c.1468A>G, p.Ser490Gly (NM_004949.5); short protein forms S490G.
Identifiers: ClinVar variation 1331735 (VCV001331735.3), dbSNP rs2144813452, ClinGen allele CA402108437.
Genomic context (GRCh38, chr18:31,080,148, plus strand): 5'-GTAAGTACCTTATGCCACTGCTACTTCTTGTTTCTGGGTCATATGCTTTATATCCATTGC[T>C]TGTTGTTCCCACTTCTGCATTTTCTTTCATGCGAACAGTCTGTATTGGAGGGTTACACTC-3'
Protein context (NP_077740.1, residues 480-500): MKENAEVGTT[Ser490Gly]NGYKAYDPET

ClinVar aggregate classification (germline): Uncertain significance (1 of 4 stars; one submission).

Conditions:
Cardiomyopathy (CMYO). Also called: Cardiomyopathies. Identifiers: Orphanet 167848, MedGen C0878544, MONDO:0004994, HP:0001638. Inheritance: Various modes of inheritance.

Submission:

Color Diagnostics, LLC DBA Color Health
Classification: Uncertain significance for Cardiomyopathy. Last evaluated: 2024-03-06. Review status: criteria provided, single submitter. Criteria: ACMG Guidelines, 2015. Collection method: clinical testing. Allele origin: germline.
Comment: This missense variant replaces serine with glycine at codon 490 of the DSC2 protein. Computational prediction suggests that this variant may not impact protein structure and function (internally defined REVEL score threshold <= 0.5, PMID: 27666373). To our knowledge, functional studies have not been reported for this variant. This variant has not been reported in individuals affected with cardiovascular disorders in the literature. This variant has not been identified in the general population by the Genome Aggregation Database (gnomAD). The available evidence is insufficient to determine the role of this variant in disease conclusively. Therefore, this variant is classified as a Variant of Uncertain Significance.